The following is an entry in ClinVar:

ClinVar aggregate classification (germline): Uncertain significance (1 of 4 stars; one submission).

Submission:

Labcorp Genetics (formerly Invitae), Labcorp
Classification: Uncertain significance. Last evaluated: 2025-08-04. Review status: criteria provided, single submitter. Criteria: Invitae Variant Classification Sherloc (09022015). Collection method: clinical testing. Allele origin: germline.
Comment: This sequence change replaces glutamic acid, which is acidic and polar, with aspartic acid, which is acidic and polar, at codon 184 of the IFT88 protein (p.Glu184Asp). This variant is not present in population databases (gnomAD no frequency). This variant has not been reported in the literature in individuals affected with IFT88-related conditions. An algorithm developed to predict the effect of missense changes on protein structure and function (PolyPhen-2) suggests that this variant is likely to be tolerated. In summary, the available evidence is currently insufficient to determine the role of this variant in disease. Therefore, it has been classified as a Variant of Uncertain Significance.

NM_006531.5(IFT88):c.525G>C (p.Glu175Asp)

Gene: IFT88 (intraflagellar transport 88; plus strand). Cytogenetic location: 13q12.11.
Variant type: single nucleotide variant.
Coding change: c.525G>C on transcript NM_006531.5 (MANE Select); coding-DNA position 525, G replaced by C.
Protein change: p.Glu175Asp; replaces glutamic acid 175 with aspartic acid.
Molecular consequence: missense variant. On other transcripts: 5 prime UTR variant (1), non-coding transcript variant (5).
Genome position (GRCh38, 1-based): chr13:20,597,050, G>C. VCF-style: chr13-20597050-G-C. GRCh37 (hg19) VCF-style: chr13-21171189-G-C.
Other names: c.468G>C, p.Glu156Asp (NM_001318491.2, NM_001353573.2, NM_001353574.2 and 1 more transcripts); c.552G>C, p.Glu184Asp (NM_001318493.2, NM_001353565.2, NM_001353566.2 and 6 more transcripts); c.525G>C, p.Glu175Asp (NM_001353568.2, NM_001353571.2, NM_001353572.2 and 1 more transcripts); c.-109G>C (NM_001353579.2); short protein forms E156D, E175D, E184D.
Identifiers: ClinVar variation 4811937 (VCV004811937.1).